The following is an entry in ClinVar:

NM_000155.4(GALT):c.821-7A>G

Gene: GALT (galactose-1-phosphate uridylyltransferase; plus strand). Cytogenetic location: 9p13.3.
Variant type: single nucleotide variant.
Coding change: c.821-7A>G on transcript NM_000155.4 (MANE Select); 7 bases into the intron before coding-DNA position 821, A replaced by G.
Molecular consequence: intron variant.
Genome position (GRCh38, 1-based): chr9:34,648,991, A>G. VCF-style: chr9-34648991-A-G. GRCh37 (hg19) VCF-style: chr9-34648988-A-G.
Other names: p.?; c.494-7A>G (NM_001258332.2); c.821-7A>G (NM_000155.2).
Identifiers: ClinVar variation 649344 (VCV000649344.21), dbSNP rs767337193, ClinGen allele CA5036231.

ClinVar aggregate classification (germline): Likely pathogenic. Review status: reviewed by expert panel (3 of 4 stars). 9 submissions from 9 submitters: Likely pathogenic (1). 8 of the submissions do not count toward it. Last evaluated 2026-06-09.

Conditions:
Deficiency of UDPglucose-hexose-1-phosphate uridylyltransferase. Also called: GALT deficiency; Galactosemia, classic; Transferase Deficiency Galactosemia; GALACTOSE-1-PHOSPHATE URIDYLYLTRANSFERASE DEFICIENCY; GALACTOSEMIA I. Identifiers: Orphanet 352, Orphanet 79239, MedGen C0268151, MONDO:0009258, OMIM 230400.
Inborn genetic diseases. Identifiers: MedGen C0950123, MeSH D030342.
Galactosemia. Also called: Galactose intolerance. Identifiers: Orphanet 352, MedGen C0016952, MONDO:0018116, HP:0004919. Disease mechanism: loss of function.

Allele frequency attached by ClinVar (database versions not stated): gnomAD 0.00001 and 0.00002; gnomAD exomes 0.00002 and 0.00004; TOPMed 0.00004; ExAC 0.00006.
gnomAD v4.1: 14 of 1,613,960 alleles (0.00087%); highest among the groups gnomAD compares: East Asian, 0.031%; no homozygotes.

Submissions (9):

Clingen Galactosemia Variant Curation Expert Panel, ClinGen
Classification: Likely pathogenic for Galactosemia. Last evaluated: 2026-06-09. Review status: reviewed by expert panel. Criteria: ClinGen Galactosemia ACMG Specifications GALT V1.1. Collection method: curation. Allele origin: germline. Inheritance: Autosomal recessive inheritance.
Comment: The c.821-7A>G variant in GALT is located in intron 8. RT-PCR–based splicing analysis from an individual compound heterozygous for c.821-7A>G and the Q169H variant demonstrated aberrant GALT transcripts consistent with skipping of exon 9. Exon 9 skipping is predicted to be in-frame and result in the loss of 28 amino acids. (PVS1_moderate; PMID: 20547145). This individual was compound heterozygous for the variant and a pathogenic variant (p.Q169H) presumed to be in trans (PM3_supporting; PMID: 20547145). GALT enzymatic activity in erythrocytes was reduced in the compound heterozygous state and the homozygous state indicating that this variant impacts protein function (PP4; PMID: 20547145). In summary, this variant meets the criteria to be classified as a variant of uncertain significance for galactosemia based on the ACMG/AMP criteria applied, as specified by the ClinGen Galactosemia VCEP: PVS1_moderate, PM3_supporting, PP4 (GALT specifications v.1.0.0).

Natera, Inc.
Classification: Likely pathogenic for Galactosemia. Last evaluated: 2025-10-10. Review status: criteria provided, single submitter. Criteria: Natera Variant Classification Schema (03/2026). Collection method: clinical testing. Allele origin: germline. Not counted in ClinVar's aggregate classification.
Comment: The c.821-7A>G variant in GALT is an intronic variant located outside the canonical splice sites. This variant is rare in the general population with a frequency below the threshold expected for the associated phenotype(s). This variant has been observed in one or more individuals affected with the associated recessive disease, as either homozygous or compound heterozygous with a second variant (PMID: 25124065). Functional studies show that this variant may disrupt protein function (PMID: 20547145). Computational prediction algorithms indicate this variant is likely to affect gene or protein function. Given the available evidence, this variant is classified as Likely Pathogenic.

Mayo Clinic Laboratories, Mayo Clinic
Classification: Likely pathogenic. Last evaluated: 2025-09-19. Review status: criteria provided, single submitter. Criteria: ACMG Guidelines, 2015. Collection method: clinical testing. Allele origin: germline. Observed: 2 variant alleles. Not counted in ClinVar's aggregate classification.
Comment: PM2_supporting, PM3_strong, PS3_supporting

Fulgent Genetics
Classification: Likely pathogenic for Deficiency of UDPglucose-hexose-1-phosphate uridylyltransferase. Last evaluated: 2024-05-13. Review status: criteria provided, single submitter. Criteria: ACMG Guidelines, 2015. Collection method: clinical testing. Allele origin: germline. Not counted in ClinVar's aggregate classification.

Baylor Genetics
Classification: Likely pathogenic for Deficiency of UDPglucose-hexose-1-phosphate uridylyltransferase. Last evaluated: 2024-03-30. Review status: criteria provided, single submitter. Criteria: ACMG Guidelines, 2015. Collection method: clinical testing. Allele origin: unknown. Not counted in ClinVar's aggregate classification.

Labcorp Genetics (formerly Invitae), Labcorp
Classification: Pathogenic for Deficiency of UDPglucose-hexose-1-phosphate uridylyltransferase. Last evaluated: 2024-02-12. Review status: criteria provided, single submitter. Criteria: Invitae Variant Classification Sherloc (09022015). Collection method: clinical testing. Allele origin: germline. Not counted in ClinVar's aggregate classification.
Comment: This sequence change falls in intron 8 of the GALT gene. It does not directly change the encoded amino acid sequence of the GALT protein. RNA analysis indicates that this variant induces altered splicing and likely results in a shortened protein product. This variant is present in population databases (rs767337193, gnomAD 0.06%). This variant has been observed in individual(s) with GALT-related conditions (PMID: 20547145, 25124065). In at least one individual the data is consistent with being in trans (on the opposite chromosome) from a pathogenic variant. ClinVar contains an entry for this variant (Variation ID: 649344). Studies have shown that this variant results in skipping of exon 9, but is expected to preserve the integrity of the reading-frame (PMID: 20547145). For these reasons, this variant has been classified as Pathogenic.

Women's Health and Genetics/Laboratory Corporation of America, LabCorp
Classification: Likely pathogenic for Deficiency of UDPglucose-hexose-1-phosphate uridylyltransferase. Last evaluated: 2023-12-19. Review status: criteria provided, single submitter. Criteria: LabCorp Variant Classification Summary - May 2015. Collection method: clinical testing. Allele origin: germline. Not counted in ClinVar's aggregate classification.
Comment: Variant summary: GALT c.821-7A>G alters a non-conserved nucleotide located close to a canonical splice site and therefore could affect mRNA splicing, leading to a significantly altered protein sequence. Consensus agreement among computation tools predict no significant impact on normal splicing. However, at least one publication reports experimental evidence that this variant affects mRNA splicing, showing the variant results in a shorted mRNA product reported as skipping of exon 9, although not verified by sequencing (e.g. Ko_2010). The variant allele was found at a frequency of 4.2e-05 in 282870 control chromosomes. This frequency is not significantly higher than estimated for a pathogenic variant in GALT causing Galactosemia (4.2e-05 vs 0.0029), allowing no conclusion about variant significance. c.821-7A>G has been reported in the literature in multiple compound heterozygous individuals affected with Galactosemia (e.g. Ko_2010, Choi_2014). These data indicate that the variant is likely to be associated with disease. At least one publication reports experimental evidence evaluating an impact on protein function. The most pronounced variant effect results in 10%-<30% of normal enzyme activity (e.g. Ko_2010). The following publications have been ascertained in the context of this evaluation (PMID: 25124065, 20547145, 34233069). Two submitters have cited clinical-significance assessments for this variant to ClinVar after 2014. All submitters classified the variant as pathogenic. Based on the evidence outlined above, the variant was classified as likely pathogenic.

Ambry Genetics
Classification: Pathogenic for Inborn genetic diseases. Last evaluated: 2021-09-24. Review status: criteria provided, single submitter. Criteria: Ambry Variant Classification Scheme 2023. Collection method: clinical testing. Allele origin: germline. Not counted in ClinVar's aggregate classification.
Comment: The c.821-7A>G intronic alteration results from an A to G substitution 7 nucleotides before coding exon 9 of the GALT gene. Based on data from gnomAD, the G allele has an overall frequency of <0.01% (12/282870) total alleles studied. The highest observed frequency was 0.06% (12/19952) of East Asian alleles. This alteration (reported as g.2621A>G) has been identified in the compound heterozygous state with a second pathogenic GALT variant in three Korean patients with galactosemia (Ko, 2010; Choi, 2014). This nucleotide position is not well conserved in available vertebrate species. RNA analysis has shown this variant alters splicing and causes skipping of exon 9 (Ko, 2010). In silico splice site analysis predicts that this alteration will not have any significant effect on splicing. Based on the available evidence, this alteration is classified as pathogenic.

Juno Genomics, Hangzhou Juno Genomics, Inc
Classification: Likely pathogenic for Deficiency of UDPglucose-hexose-1-phosphate uridylyltransferase. Review status: criteria provided, single submitter. Criteria: ACMG Guidelines, 2015. Collection method: clinical testing. Allele origin: germline. Not counted in ClinVar's aggregate classification.
Comment: Absent from controls (or at extremely low frequency if recessive) in Genome Aggregation Database.;Well-established in vitro or in vivo functional studies supportive of a damaging effect on the gene or gene product.;For recessive disorders, detected in trans with a pathogenic variant.;Patient's phenotype or family history is highly specific for a disease with a single genetic etiology.

Literature cited by the submitters: PubMed 25124065 (cited by 5 submitters); PubMed 20547145 (cited by 5 submitters); PubMed 35665479 (cited by Mayo Clinic Laboratories, Mayo Clinic); PubMed 36732629 (cited by Mayo Clinic Laboratories, Mayo Clinic); PubMed 34233069 (cited by Women's Health and Genetics/Laboratory Corporation of America, LabCorp).